The following is an entry in ClinVar:

NM_022436.3(ABCG5):c.113T>C (p.Leu38Pro)

Gene: ABCG5 (ATP binding cassette subfamily G member 5; minus strand). Cytogenetic location: 2p21.
Variant type: single nucleotide variant.
Coding change: c.113T>C on transcript NM_022436.3 (MANE Select); coding-DNA position 113, T replaced by C.
Protein change: p.Leu38Pro; replaces leucine 38 with proline.
Molecular consequence: missense variant.
Genome position (GRCh38, 1-based): chr2:43,838,567, A>G on the plus strand (T>C on the coding strand, the complement: ABCG5 is on the minus strand). VCF-style: chr2-43838567-A-G. GRCh37 (hg19) VCF-style: chr2-44065706-A-G.
Other names: short protein forms L38P.
Identifiers: ClinVar variation 3416458 (VCV003416458.1).

ClinVar aggregate classification (germline): Uncertain significance (1 of 4 stars; one submission).

Conditions:
Cardiovascular phenotype. Identifiers: MedGen CN230736.

Submission:

Ambry Genetics
Classification: Uncertain significance for Cardiovascular phenotype. Last evaluated: 2024-10-27. Review status: criteria provided, single submitter. Criteria: Ambry Variant Classification Scheme 2023. Collection method: clinical testing. Allele origin: germline.
Comment: The p.L38P variant (also known as c.113T>C), located in coding exon 1 of the ABCG5 gene, results from a T to C substitution at nucleotide position 113. The leucine at codon 38 is replaced by proline, an amino acid with similar properties. This amino acid position is conserved. In addition, the in silico prediction for this alteration is inconclusive. Based on the available evidence, the clinical significance of this variant remains unclear.